The following is an entry in ClinVar:

ClinVar aggregate classification (germline): Uncertain significance (1 of 4 stars; one submission).

Submission:

GeneDx
Classification: Uncertain significance. Last evaluated: 2024-08-14. Review status: criteria provided, single submitter. Criteria: GeneDx Variant Classification Process June 2021. Collection method: clinical testing. Allele origin: germline. Affected: yes.
Comment: Not observed at significant frequency in large population cohorts (gnomAD); In silico analysis supports that this missense variant has a deleterious effect on protein structure/function; Has not been previously published as pathogenic or benign to our knowledge

NM_004958.4(MTOR):c.696G>C (p.Gln232His)

Gene: MTOR (mechanistic target of rapamycin kinase; minus strand). Cytogenetic location: 1p36.22.
Variant type: single nucleotide variant.
Coding change: c.696G>C on transcript NM_004958.4 (MANE Select); coding-DNA position 696, G replaced by C.
Protein change: p.Gln232His; replaces glutamine 232 with histidine.
Molecular consequence: missense variant. On other transcripts: 5 prime UTR variant (1).
Genome position (GRCh38, 1-based): chr1:11,256,001, C>G on the plus strand (G>C on the coding strand, the complement: MTOR is on the minus strand). VCF-style: chr1-11256001-C-G. GRCh37 (hg19) VCF-style: chr1-11316058-C-G.
Other names: c.696G>C, p.Gln232His (NM_001386500.1); c.-444G>C (NM_001386501.1); short protein forms Q232H.
Identifiers: ClinVar variation 3731067 (VCV003731067.1).